The following is an entry in ClinVar:

ClinVar aggregate classification (germline): Uncertain significance (0 of 4 stars; one submission).

Conditions:
PHIP-related disorder. Also called: PHIP-related condition; PHIP-related disorders.

gnomAD v4.1: 2 of 1,592,374 alleles (0.00013%); highest among the groups gnomAD compares: Non-Finnish European, 0.00017%; no homozygotes.

Submission:

PreventionGenetics, part of Exact Sciences
Classification: Uncertain significance for PHIP-related condition. Last evaluated: 2024-07-03. Review status: no assertion criteria provided. Collection method: clinical testing. Allele origin: germline.
Comment: The PHIP c.2855G>A variant is predicted to result in the amino acid substitution p.Arg952Gln. To our knowledge, this variant has not been reported in the literature or in a large population database, indicating this variant is rare. At this time, the clinical significance of this variant is uncertain due to the absence of conclusive functional and genetic evidence.

NM_017934.7(PHIP):c.2855G>A (p.Arg952Gln)

Genes: IRAK1BP1 (interleukin 1 receptor associated kinase 1 binding protein 1; plus strand), PHIP (PHIP subunit of CUL4-Ring ligase complex; minus strand). Cytogenetic location: 6q14.1.
Variant type: single nucleotide variant.
Coding change: c.2855G>A on transcript NM_017934.7 (MANE Select); coding-DNA position 2855, G replaced by A.
Protein change: p.Arg952Gln; replaces arginine 952 with glutamine.
Molecular consequence: missense variant.
Genome position (GRCh38, 1-based): chr6:78,978,626, C>T on the plus strand (G>A on the coding strand, the complement: PHIP is on the minus strand). VCF-style: chr6-78978626-C-T. GRCh37 (hg19) VCF-style: chr6-79688343-C-T.
Other names: short protein forms R952Q.
Identifiers: ClinVar variation 3347282 (VCV003347282.1).